The following is an entry in ClinVar:

ClinVar aggregate classification (germline): Uncertain significance. Review status: reviewed by expert panel (3 of 4 stars). 2 submissions from 2 submitters: Uncertain significance (1). 1 of the submissions does not count toward it. Last evaluated 2024-07-11.

Conditions:
Hereditary thrombocytopenia and hematological cancer predisposition syndrome associated with RUNX1. Also called: PLATELET DISORDER, ASPIRIN-LIKE; RUNX1 Familial Platelet Disorder with Associated Myeloid Malignancies; Familial Platelet Disorder with Propensity to Acute Myelogenous Leukemia; Familial thrombocytopenia with propensity to acute myelogenous leukemia. Identifiers: Orphanet 71290, MedGen C1832388, MeSH C563324, MONDO:0100083, OMIM 601399.

Submissions (2):

ClinGen Myeloid Malignancy Variant Curation Expert Panel
Classification: Uncertain significance for Hereditary thrombocytopenia and hematological cancer predisposition syndrome associated with RUNX1. Last evaluated: 2024-07-11. Review status: reviewed by expert panel. Criteria: ClinGen MyeloMalig ACMG Specifications v2. Collection method: curation. Allele origin: germline. Inheritance: Autosomal dominant inheritance.
Comment: NC_000021.9:g.34880554_34880573dup is an intronic duplication variant which may impact splicing. This variant has a SpliceAI score ≥ 0.38 (0.47 Donor Gain) (PP3). This variant is completely absent from all population databases with at least 20x coverage for RUNX1 (PM2_Supporting). In summary, the clinical significance of this variant is uncertain. ACMG/AMP criteria applied, as specified by the Myeloid Malignancy Variant Curation Expert Panel for RUNX1: PP3, PM2_supporting.

PreventionGenetics, part of Exact Sciences
Classification: Uncertain significance. Last evaluated: 2018-07-12. Review status: criteria provided, single submitter. Criteria: ACMG Guidelines, 2015. Collection method: clinical testing. Allele origin: germline. Not counted in ClinVar's aggregate classification.

NM_001754.5(RUNX1):c.494_508+5dup

Genes: RUNX1 (RUNX family transcription factor 1; minus strand), RUNX1-AS1 (RUNX1 antisense RNA 1; plus strand). Cytogenetic location: 21q22.12.
Variant type: Duplication.
Coding change: c.494_508+5dup on transcript NM_001754.5 (MANE Select); coding-DNA position 494 through 5 bases into the intron after coding-DNA position 508, 20 bases duplicated (GTCGAAGTGGAAGAGGTACG).
Molecular consequence: splice donor variant.
Genome position (GRCh38, 1-based): chr21:34,880,552-34,880,571, CGTACCTCTTCCACTTCGAC duplicated on the plus strand (GTCGAAGTGGAAGAGGTACG on the coding strand, the reverse complement: RUNX1 is on the minus strand); duplicating any 20 consecutive bases within chr21:34,880,552-34,880,573 gives the same sequence; the c. name uses the placement nearest the transcript's 3' end. VCF-style (leftmost placement, unchanged base first): chr21-34880551-A-ACGTACCTCTTCCACTTCGAC. GRCh37 (hg19) VCF-style: chr21-36252848-A-ACGTACCTCTTCCACTTCGAC.
Other names: c.413_427+5dup (NM_001001890.3, NM_001122607.2).
Identifiers: ClinVar variation 561241 (VCV000561241.3), dbSNP rs1569078757, ClinGen allele CA658824415.